The following is an entry in ClinVar:

ClinVar aggregate classification (germline): Likely benign (1 of 4 stars; one submission).

Conditions:
Colorectal cancer, hereditary nonpolyposis, type 7. Identifiers: Orphanet 144, MedGen C1858380, MONDO:0013725, OMIM 614385.

gnomAD v4.1: 1 of 1,610,172 alleles (0.000062%); highest among the groups gnomAD compares: Non-Finnish European, 0.000085%; no homozygotes.

Submission:

Myriad Genetics, Inc.
Classification: Likely benign for Colorectal cancer, hereditary nonpolyposis, type 7. Last evaluated: 2026-09-11. Review status: criteria provided, single submitter. Criteria: Myriad Autosomal Dominant, Autosomal Recessive and X-Linked Classification Criteria (2023). Collection method: clinical testing. Allele origin: unknown.
Comment: This variant is considered likely benign. This variant is intronic and is not expected to impact mRNA splicing.

NM_001040108.2(MLH3):c.3828-14G>C

Gene: MLH3 (mutL homolog 3; minus strand). Cytogenetic location: 14q24.3.
Variant type: single nucleotide variant.
Coding change: c.3828-14G>C on transcript NM_001040108.2 (MANE Select); 14 bases into the intron before coding-DNA position 3828, G replaced by C.
Molecular consequence: intron variant.
Genome position (GRCh38, 1-based): chr14:75,030,716, C>G on the plus strand (G>C on the coding strand, the complement: MLH3 is on the minus strand). VCF-style: chr14-75030716-C-G. GRCh37 (hg19) VCF-style: chr14-75497419-C-G.
Other names: c.3756-14G>C (NM_014381.3).
Identifiers: ClinVar variation 5042160 (VCV005042160.1).